The following is an entry in ClinVar:

ClinVar aggregate classification (germline): Uncertain significance (1 of 4 stars; one submission).

Conditions:
Hereditary cancer-predisposing syndrome. Also called: Hereditary Cancer Syndrome; Hereditary neoplastic syndrome; Neoplastic Syndromes, Hereditary; Tumor predisposition. Identifiers: Orphanet 140162, MedGen C0027672, MeSH D009386, MONDO:0015356.

gnomAD v4.1: 2 of 1,614,110 alleles (0.00012%); highest among the groups gnomAD compares: Non-Finnish European, 0.00017%; no homozygotes.

Submission:

Ambry Genetics
Classification: Uncertain significance for Hereditary cancer-predisposing syndrome. Last evaluated: 2022-05-07. Review status: criteria provided, single submitter. Criteria: Ambry Variant Classification Scheme 2023. Collection method: clinical testing. Allele origin: germline.
Comment: The p.K486T variant (also known as c.1457A>C), located in coding exon 4 of the PALB2 gene, results from an A to C substitution at nucleotide position 1457. The lysine at codon 486 is replaced by threonine, an amino acid with similar properties. This amino acid position is conserved. In addition, this alteration is predicted to be tolerated by in silico analysis. Since supporting evidence is limited at this time, the clinical significance of this alteration remains unclear.

NM_024675.4(PALB2):c.1457A>C (p.Lys486Thr)

Gene: PALB2 (partner and localizer of BRCA2; minus strand). Cytogenetic location: 16p12.2.
Variant type: single nucleotide variant.
Coding change: c.1457A>C on transcript NM_024675.4 (MANE Select); coding-DNA position 1457, A replaced by C.
Protein change: p.Lys486Thr; replaces lysine 486 with threonine.
Molecular consequence: missense variant.
Genome position (GRCh38, 1-based): chr16:23,635,089, T>G on the plus strand (A>C on the coding strand, the complement: PALB2 is on the minus strand). VCF-style: chr16-23635089-T-G. GRCh37 (hg19) VCF-style: chr16-23646410-T-G.
Other names: c.1457A>C, p.Lys486Thr (NM_001407302.1, NM_001407297.1, NM_001407298.1 and 3 more transcripts); c.572A>C, p.Lys191Thr (NM_001407304.1, NM_001407305.1, NM_001407306.1 and 5 more transcripts); c.1397A>C, p.Lys466Thr (NM_001407296.1); short protein forms K191T, K466T, K486T.
Identifiers: ClinVar variation 1773068 (VCV001773068.2), dbSNP rs864622291, ClinGen allele CA395131207.
Genomic context (GRCh38, chr16:23,635,089, plus strand): 5'-TGGGCAACTGCCTTCCTAGACAAGTCATTATCTTCAGTGGGCCCAGCGGGAGAGCTGACT[T>G]TAGTTAATGAGAGAAGTTTCTGAGAGGTTCTTGAACTTGGTTGTCCTGTGCATGTGCCAG-3'
Protein context (NP_078951.2, residues 476-496): RTSQKLLSLT[Lys486Thr]VSSPAGPTED